The following is an entry in ClinVar:

ClinVar aggregate classification (germline): Uncertain significance. Review status: criteria provided, multiple submitters, no conflicts (2 of 4 stars). 2 submissions from 2 submitters: Uncertain significance (2). Last evaluated 2024-10-12.

Conditions:
Congenital disorder of glycosylation, type IIq. Also called: CDG IIq. Identifiers: Orphanet 435934, MedGen C4479353, MONDO:0054559, OMIM 617395.

Allele frequency attached by ClinVar (database versions not stated): ESP Exome Variant Server 0.00015; ExAC 0.00018; 1000 Genomes Project 30x 0.00031; gnomAD 0.00034; 1000 Genomes Project 0.00040; TOPMed 0.00041.

Submissions (2):

Ambry Genetics
Classification: Uncertain significance. Last evaluated: 2024-10-12. Review status: criteria provided, single submitter. Criteria: Ambry Variant Classification Scheme 2023. Collection method: clinical testing. Allele origin: germline.

Labcorp Genetics (formerly Invitae), Labcorp
Classification: Uncertain significance for Congenital disorder of glycosylation, type IIq. Last evaluated: 2023-07-07. Review status: criteria provided, single submitter. Criteria: Invitae Variant Classification Sherloc (09022015). Collection method: clinical testing. Allele origin: germline.
Comment: In summary, the available evidence is currently insufficient to determine the role of this variant in disease. Therefore, it has been classified as a Variant of Uncertain Significance. Advanced modeling of protein sequence and biophysical properties (such as structural, functional, and spatial information, amino acid conservation, physicochemical variation, residue mobility, and thermodynamic stability) performed at Invitae indicates that this missense variant is not expected to disrupt COG2 protein function. ClinVar contains an entry for this variant (Variation ID: 2378370). This variant has not been reported in the literature in individuals affected with COG2-related conditions. This variant is present in population databases (rs74142997, gnomAD 0.1%). This sequence change replaces asparagine, which is neutral and polar, with serine, which is neutral and polar, at codon 270 of the COG2 protein (p.Asn270Ser).

NM_007357.3(COG2):c.809A>G (p.Asn270Ser)

Gene: COG2 (component of oligomeric golgi complex 2; plus strand). Cytogenetic location: 1q42.2.
Variant type: single nucleotide variant.
Coding change: c.809A>G on transcript NM_007357.3 (MANE Select); coding-DNA position 809, A replaced by G.
Protein change: p.Asn270Ser; replaces asparagine 270 with serine.
Molecular consequence: missense variant.
Genome position (GRCh38, 1-based): chr1:230,671,550, A>G. VCF-style: chr1-230671550-A-G. GRCh37 (hg19) VCF-style: chr1-230807296-A-G.
Other names: c.809A>G, p.Asn270Ser (NM_001145036.2); short protein forms N270S.
Identifiers: ClinVar variation 2378370 (VCV002378370.4), dbSNP rs74142997, ClinGen allele CA1447546.